The following is an entry in ClinVar:

NM_001909.5(CTSD):c.472G>A (p.Val158Met)

Gene: CTSD (cathepsin D; minus strand). Cytogenetic location: 11p15.5.
Variant type: single nucleotide variant.
Coding change: c.472G>A on transcript NM_001909.5 (MANE Select); coding-DNA position 472, G replaced by A.
Protein change: p.Val158Met; replaces valine 158 with methionine.
Molecular consequence: missense variant.
Genome position (GRCh38, 1-based): chr11:1,757,556, C>T on the plus strand (G>A on the coding strand, the complement: CTSD is on the minus strand). VCF-style: chr11-1757556-C-T. GRCh37 (hg19) VCF-style: chr11-1778786-C-T.
Other names: short protein forms V158M.
Identifiers: ClinVar variation 2092745 (VCV002092745.4), dbSNP rs1845825107, ClinGen allele CA379096308.
Genomic context (GRCh38, chr11:1,757,556, plus strand): 5'-CCTGCCTCTCCACTTTGACACCGCCCAGGGCAGAGGCTGACGACGCTGACTGGCAGGGCA[C>T]CTGCAGGCCAGGGCAGAGTCAGTGGGCAGCAGACAGGCTGAGCCCTACACCACTCCCTGA-3'
Protein context (NP_001900.1, residues 148-168): SGYLSQDTVS[Val158Met]PCQSASSASA

ClinVar aggregate classification (germline): Uncertain significance (1 of 4 stars; one submission).

Conditions:
Neuronal ceroid lipofuscinosis. Also called: Neuronal Ceroid Lipofuscinoses. Identifiers: Orphanet 216, Orphanet 79263, MedGen C0027877, MONDO:0016295. Disease mechanism: loss of function.

Submission:

Labcorp Genetics (formerly Invitae), Labcorp
Classification: Uncertain significance for Neuronal ceroid lipofuscinosis. Last evaluated: 2022-06-19. Review status: criteria provided, single submitter. Criteria: Invitae Variant Classification Sherloc (09022015). Collection method: clinical testing. Allele origin: germline.
Comment: This sequence change replaces valine, which is neutral and non-polar, with methionine, which is neutral and non-polar, at codon 158 of the CTSD protein (p.Val158Met). This variant is not present in population databases (gnomAD no frequency). This variant has not been reported in the literature in individuals affected with CTSD-related conditions. Algorithms developed to predict the effect of missense changes on protein structure and function are either unavailable or do not agree on the potential impact of this missense change (SIFT: "Deleterious"; PolyPhen-2: "Benign"; Align-GVGD: "Class C0"). In summary, the available evidence is currently insufficient to determine the role of this variant in disease. Therefore, it has been classified as a Variant of Uncertain Significance.